The following is an entry in ClinVar:

NM_001267550.2(TTN):c.2589T>C (p.Thr863=)

Gene: TTN (titin; minus strand). Cytogenetic location: 2q31.2.
Variant type: single nucleotide variant.
Coding change: c.2589T>C on transcript NM_001267550.2 (MANE Select); coding-DNA position 2589, T replaced by C.
Protein change: p.Thr863=; no amino-acid change (threonine 863 retained).
Molecular consequence: synonymous variant.
Genome position (GRCh38, 1-based): chr2:178,784,256, A>G on the plus strand (T>C on the coding strand, the complement: TTN is on the minus strand). VCF-style: chr2-178784256-A-G. GRCh37 (hg19) VCF-style: chr2-179648983-A-G.
Other names: p.Thr863=; c.2589T>C, p.Thr863= (NM_001256850.1, NM_133378.4, NM_133379.5); c.2451T>C, p.Thr817= (NM_003319.4, NM_133432.3, NM_133437.4).
Identifiers: ClinVar variation 194679 (VCV000194679.18), dbSNP rs794727178, ClinGen allele CA240789.

ClinVar aggregate classification (germline): Conflicting classifications of pathogenicity. Review status: criteria provided, conflicting classifications (1 of 4 stars). 5 submissions from 5 submitters: Uncertain significance (1); Likely benign (4). Last evaluated 2026-09-01.

Conditions:
Cardiovascular phenotype. Identifiers: MedGen CN230736.
Autosomal recessive limb-girdle muscular dystrophy type 2J (LGMDR10). Also called: Limb-girdle muscular dystrophy, type 2J; MUSCULAR DYSTROPHY, LIMB-GIRDLE, AUTOSOMAL RECESSIVE 10. Identifiers: Orphanet 140922, MedGen C1837342, MONDO:0012127, OMIM 608807.
Dilated cardiomyopathy 1G (CMD1G). Identifiers: Orphanet 154, MedGen C1858763, MONDO:0011400, OMIM 604145.

Allele frequency attached by ClinVar (database versions not stated): gnomAD exomes below 0.00001; TOPMed 0.00001.
gnomAD v4.1: 4 of 1,614,154 alleles (0.00025%); highest among the groups gnomAD compares: East Asian, 0.0022%; no homozygotes.

Submissions (5):

CeGaT Center for Human Genetics Tuebingen
Classification: Likely benign. Last evaluated: 2026-09-01. Review status: criteria provided, single submitter. Criteria: CeGaT Center For Human Genetics Tuebingen Variant Classification Criteria Version 2. Collection method: clinical testing. Allele origin: germline. Affected: yes. Observed: 1 variant allele.
Comment: TTN: BP4, BP7

Labcorp Genetics (formerly Invitae), Labcorp
Classification: Likely benign for Dilated cardiomyopathy 1G; Autosomal recessive limb-girdle muscular dystrophy type 2J. Last evaluated: 2026-02-03. Review status: criteria provided, single submitter. Criteria: Invitae Variant Classification Sherloc (09022015). Collection method: clinical testing. Allele origin: germline.

Mayo Clinic Laboratories, Mayo Clinic
Classification: Likely benign. Last evaluated: 2025-06-18. Review status: criteria provided, single submitter. Criteria: ACMG Guidelines, 2015. Collection method: clinical testing. Allele origin: germline. Observed: 1 variant allele.
Comment: BP4, BP7, PM2_supporting

Ambry Genetics
Classification: Likely benign for Cardiovascular phenotype. Last evaluated: 2025-03-14. Review status: criteria provided, single submitter. Criteria: Ambry Variant Classification Scheme 2023. Collection method: clinical testing. Allele origin: germline.

Eurofins Ntd Llc (ga)
Classification: Uncertain significance. Last evaluated: 2014-11-20. Review status: criteria provided, single submitter. Criteria: EGL Classification Definitions 2015. Collection method: clinical testing. Allele origin: germline. Observed: 1 variant allele, 1 heterozygote.